The following is an entry in ClinVar:

NM_004006.3(DMD):c.2584G>T (p.Glu862Ter)

Gene: DMD (dystrophin; minus strand). Cytogenetic location: Xp21.1.
Variant type: single nucleotide variant.
Coding change: c.2584G>T on transcript NM_004006.3 (MANE Select); coding-DNA position 2584, G replaced by T.
Protein change: p.Glu862Ter; replaces glutamic acid 862 with a stop codon.
Molecular consequence: nonsense.
Genome position (GRCh38, 1-based): chrX:32,491,315, C>A on the plus strand (G>T on the coding strand, the complement: DMD is on the minus strand). VCF-style: chrX-32491315-C-A. GRCh37 (hg19) VCF-style: chrX-32509432-C-A.
Other names: c.2560G>T, p.Glu854Ter (NM_000109.4); c.2572G>T, p.Glu858Ter (NM_004009.3); c.2215G>T, p.Glu739Ter (NM_004010.3); short protein forms E739*, E854*, E858*, E862*.
Identifiers: ClinVar variation 1180642 (VCV001180642.14), dbSNP rs2042975774, ClinGen allele CA412671948.

ClinVar aggregate classification (germline): Pathogenic. Review status: criteria provided, multiple submitters, no conflicts (2 of 4 stars). 2 submissions from 2 submitters: Pathogenic (2). Last evaluated 2022-01-11.

Conditions:
Abnormality of the musculature. Identifiers: MedGen C4021745, HP:0003011.
Duchenne muscular dystrophy (DMD). Also called: MUSCULAR DYSTROPHY, PSEUDOHYPERTROPHIC PROGRESSIVE, DUCHENNE TYPE; Duchenne Muscular Dystrophy (DMD). Identifiers: Orphanet 98896, MedGen C0013264, MONDO:0010679, OMIM 310200.

Submissions (2):

Labcorp Genetics (formerly Invitae), Labcorp
Classification: Pathogenic for Duchenne muscular dystrophy. Last evaluated: 2022-01-11. Review status: criteria provided, single submitter. Criteria: Invitae Variant Classification Sherloc (09022015). Collection method: clinical testing. Allele origin: germline.
Comment: For these reasons, this variant has been classified as Pathogenic. ClinVar contains an entry for this variant (Variation ID: 1180642). This premature translational stop signal has been observed in individual(s) with Duchenne muscular dystrophy (PMID: 28859693). This variant is not present in population databases (gnomAD no frequency). This sequence change creates a premature translational stop signal (p.Glu862*) in the DMD gene. It is expected to result in an absent or disrupted protein product. Loss-of-function variants in DMD are known to be pathogenic (PMID: 16770791, 25007885).

Kariminejad - Najmabadi Pathology & Genetics Center
Classification: Pathogenic for Abnormality of the musculature. Last evaluated: 2021-07-10. Review status: criteria provided, single submitter. Criteria: ACMG Guidelines, 2015. Collection method: clinical testing. Allele origin: germline. Affected: yes.

Literature cited by the submitters: PubMed 28859693 (cited by Labcorp Genetics (formerly Invitae), Labcorp); PubMed 16770791 (cited by Labcorp Genetics (formerly Invitae), Labcorp); PubMed 25007885 (cited by Labcorp Genetics (formerly Invitae), Labcorp).